The following is an entry in ClinVar:

NM_001080517.3(SETD5):c.2719T>G (p.Phe907Val)

Gene: SETD5 (SET domain containing 5; plus strand). Cytogenetic location: 3p25.3.
Variant type: single nucleotide variant.
Coding change: c.2719T>G on transcript NM_001080517.3 (MANE Select); coding-DNA position 2719, T replaced by G.
Protein change: p.Phe907Val; replaces phenylalanine 907 with valine.
Molecular consequence: missense variant.
Genome position (GRCh38, 1-based): chr3:9,464,667, T>G. VCF-style: chr3-9464667-T-G. GRCh37 (hg19) VCF-style: chr3-9506351-T-G.
Other names: c.2425T>G, p.Phe809Val (NM_001292043.2, NM_001349451.2); short protein forms F809V, F907V.
Identifiers: ClinVar variation 1878804 (VCV001878804.5), dbSNP rs1380926941, ClinGen allele CA351708596.

ClinVar aggregate classification (germline): Uncertain significance. Review status: criteria provided, multiple submitters, no conflicts (2 of 4 stars). 2 submissions from 2 submitters: Uncertain significance (2). Last evaluated 2023-04-06.

Allele frequency attached by ClinVar (database versions not stated): gnomAD exomes below 0.00001; gnomAD 0.00001; TOPMed 0.00001.
gnomAD v4.1: 2 of 1,613,882 alleles (0.00012%); highest among the groups gnomAD compares: Admixed American, 0.0017%; no homozygotes.

Submissions (2):

Labcorp Genetics (formerly Invitae), Labcorp
Classification: Uncertain significance. Last evaluated: 2023-04-06. Review status: criteria provided, single submitter. Criteria: Invitae Variant Classification Sherloc (09022015). Collection method: clinical testing. Allele origin: germline.
Comment: In summary, the available evidence is currently insufficient to determine the role of this variant in disease. Therefore, it has been classified as a Variant of Uncertain Significance. Algorithms developed to predict the effect of sequence changes on RNA splicing suggest that this variant may create or strengthen a splice site. Advanced modeling of protein sequence and biophysical properties (such as structural, functional, and spatial information, amino acid conservation, physicochemical variation, residue mobility, and thermodynamic stability) has been performed at Invitae for this missense variant, however the output from this modeling did not meet the statistical confidence thresholds required to predict the impact of this variant on SETD5 protein function. This sequence change replaces phenylalanine, which is neutral and non-polar, with valine, which is neutral and non-polar, at codon 907 of the SETD5 protein (p.Phe907Val). ClinVar contains an entry for this variant (Variation ID: 1878804). This variant has not been reported in the literature in individuals affected with SETD5-related conditions. This variant is present in population databases (no rsID available, gnomAD 0.003%).

GeneDx
Classification: Uncertain significance. Last evaluated: 2023-03-24. Review status: criteria provided, single submitter. Criteria: GeneDx Variant Classification Process June 2021. Collection method: clinical testing. Allele origin: germline. Affected: yes.
Comment: Not observed at significant frequency in large population cohorts (gnomAD); In silico analysis supports that this missense variant does not alter protein structure/function, but splice predictors indicate that this variant may impact gene splicing. In the absence of RNA/functional studies, the actual effect of this sequence change is unknown.; Has not been previously published as pathogenic or benign to our knowledge